The following is an entry in ClinVar:

ClinVar aggregate classification (germline): Pathogenic (1 of 4 stars; one submission).

Submission:

GeneDx
Classification: Pathogenic. Last evaluated: 2016-04-21. Review status: criteria provided, single submitter. Criteria: GeneDx Variant Classification (06012015). Collection method: clinical testing. Allele origin: germline. Affected: yes.
Comment: The c.4961delA pathogenic variant in the CHD7 gene has not been reported previously as a pathogenic variant nor as a benign variant, to our knowledge. The c.4961delA variant causes a frameshift starting with codon Tyrosine 1654, changes this amino acid to a Serine residue, and creates a premature Stop codon at position 14 of the new reading frame, denoted p.Tyr1654fsX14. This variant is predicted to cause loss of normal protein function either through protein truncation or nonsense-mediated mRNA decay. The c.4961delA variant was not observed in approximately 6,100 individuals of European and African American ancestry in the NHLBI Exome Sequencing Project, indicating it is not a common benign variant in these populations. We interpret c.4961delA as a pathogenic variant.

NM_017780.4(CHD7):c.4961del (p.Tyr1654fs)

Gene: CHD7 (chromodomain helicase DNA binding protein 7; plus strand). Cytogenetic location: 8q12.2.
Variant type: Deletion.
Coding change: c.4961del on transcript NM_017780.4 (MANE Select); coding-DNA position 4961, one base deleted (A; older notation c.4961delA).
Protein change: p.Tyr1654fs; shifts the reading frame from tyrosine 1654.
Molecular consequence: frameshift variant. On other transcripts: intron variant (1).
Genome position (GRCh38, 1-based): chr8:60,844,974, A deleted. VCF-style (leftmost placement, unchanged base first): chr8-60844973-TA-T. GRCh37 (hg19) VCF-style: chr8-61757532-TA-T.
Other names: c.4961del (LRG_176t1); c.1717-17255del (NM_001316690.1); short protein forms Y1654fs.
Identifiers: ClinVar variation 280542 (VCV000280542.2), dbSNP rs886041729, ClinGen allele CA10603064.